The following is an entry in ClinVar:

ClinVar aggregate classification (germline): Likely pathogenic (1 of 4 stars; one submission).

Conditions:
Glycogen storage disease type III (GSD3). Also called: FORBES DISEASE; Cori disease. Identifiers: Orphanet 366, MedGen C0017922, MONDO:0009291, OMIM 232400.

Submission:

Natera, Inc.
Classification: Likely pathogenic for Glycogen storage disease type III. Last evaluated: 2024-10-02. Review status: criteria provided, single submitter. Criteria: Natera Variant Classification Schema (03/2026). Collection method: clinical testing. Allele origin: germline.
Comment: The c.359_360del variant in AGL is a frameshift variant predicted to shift the reading frame beginning at codon 120 and leads to a stop codon 15 codons downstream. This variant is expected to result in nonsense mediated decay, truncation, or a dysfunctional protein product. This variant is rare in the general population with a frequency below the threshold expected for the associated phenotype(s). Given the available evidence, this variant is classified as Likely Pathogenic.

NM_000642.3(AGL):c.359_360del (p.His120fs)

Gene: AGL (amylo-alpha-1,6-glucosidase and 4-alpha-glucanotransferase; plus strand). Cytogenetic location: 1p21.2.
Variant type: Deletion.
Coding change: c.359_360del on transcript NM_000642.3 (MANE Select); coding-DNA positions 359 to 360, 2 bases deleted (AT; older notation c.359_360delAT).
Protein change: p.His120fs; shifts the reading frame from histidine 120.
Molecular consequence: frameshift variant. On other transcripts: intron variant (1).
Genome position (GRCh38, 1-based): chr1:99,862,322-99,862,323, AT deleted. VCF-style (leftmost placement, unchanged base first): chr1-99862321-CAT-C. GRCh37 (hg19) VCF-style: chr1-100327877-CAT-C.
Other names: c.359_360del, p.His120fs (NM_000028.3, NM_000643.3, NM_000644.3 and 5 more transcripts); c.311_312del, p.His104fs (NM_000646.3); c.83-2064_83-2063del (NM_001425332.1); short protein forms H104fs, H120fs.
Identifiers: ClinVar variation 4814447 (VCV004814447.1).